The following is an entry in ClinVar:

NM_004385.5(VCAN):c.7568G>A (p.Arg2523His)

Genes: VCAN (versican; plus strand), VCAN-AS1 (VCAN antisense RNA 1; minus strand). Cytogenetic location: 5q14.3.
Variant type: single nucleotide variant.
Coding change: c.7568G>A on transcript NM_004385.5 (MANE Select); coding-DNA position 7568, G replaced by A.
Protein change: p.Arg2523His; replaces arginine 2523 with histidine.
Molecular consequence: missense variant. On other transcripts: intron variant (2).
Genome position (GRCh38, 1-based): chr5:83,540,571, G>A. VCF-style: chr5-83540571-G-A. GRCh37 (hg19) VCF-style: chr5-82836390-G-A.
Other names: c.4607G>A, p.Arg1536His (NM_001164097.2); c.4004-4966G>A (NM_001164098.2); c.1043-4966G>A (NM_001126336.3); short protein forms R1536H, R2523H.
Identifiers: ClinVar variation 730302 (VCV000730302.17), dbSNP rs139938317, ClinGen allele CA3333664.

ClinVar aggregate classification (germline): Benign/Likely benign. Review status: criteria provided, multiple submitters, no conflicts (2 of 4 stars). 4 submissions from 4 submitters: Benign (1); Likely benign (3). Last evaluated 2026-01-14.

Conditions:
Inborn genetic diseases. Identifiers: MedGen C0950123, MeSH D030342.

Allele frequency attached by ClinVar (database versions not stated): gnomAD exomes 0.00020; ExAC 0.00028; 1000 Genomes Project 0.00040; 1000 Genomes Project 30x 0.00047; gnomAD 0.00080; TOPMed 0.00080; ESP Exome Variant Server 0.00100.
gnomAD v4.1: 301 of 1,613,876 alleles (0.019%); highest among the groups gnomAD compares: African/African-American, 0.23%; 1 homozygote.

Submissions (4):

Labcorp Genetics (formerly Invitae), Labcorp
Classification: Benign. Last evaluated: 2026-01-14. Review status: criteria provided, single submitter. Criteria: Invitae Variant Classification Sherloc (09022015). Collection method: clinical testing. Allele origin: germline.

CeGaT Center for Human Genetics Tuebingen
Classification: Likely benign. Last evaluated: 2026-01-01. Review status: criteria provided, single submitter. Criteria: CeGaT Center For Human Genetics Tuebingen Variant Classification Criteria Version 2. Collection method: clinical testing. Allele origin: germline. Affected: yes. Observed: 1 variant allele.
Comment: VCAN: BP4, BS2

Blueprint Genetics
Classification: Likely benign. Last evaluated: 2024-11-25. Review status: criteria provided, single submitter. Criteria: ACMG Guidelines, 2015. Collection method: clinical testing. Allele origin: germline.

Ambry Genetics
Classification: Likely benign for Inborn genetic diseases. Last evaluated: 2022-11-21. Review status: criteria provided, single submitter. Criteria: Ambry Variant Classification Scheme 2023. Collection method: clinical testing. Allele origin: germline.